The following is an entry in ClinVar:

NM_014290.3(TDRD7):c.2134T>C (p.Phe712Leu)

Gene: TDRD7 (tudor domain containing 7; plus strand). Cytogenetic location: 9q22.33.
Variant type: single nucleotide variant.
Coding change: c.2134T>C on transcript NM_014290.3 (MANE Select); coding-DNA position 2134, T replaced by C.
Protein change: p.Phe712Leu; replaces phenylalanine 712 with leucine.
Molecular consequence: missense variant.
Genome position (GRCh38, 1-based): chr9:97,475,437, T>C. VCF-style: chr9-97475437-T-C. GRCh37 (hg19) VCF-style: chr9-100237719-T-C.
Other names: c.1912T>C, p.Phe638Leu (NM_001302884.2); short protein forms F638L, F712L.
Identifiers: ClinVar variation 1707951 (VCV001707951.2), dbSNP rs149857246, ClinGen allele CA5146841.

ClinVar aggregate classification (germline): Uncertain significance (1 of 4 stars; one submission).

Allele frequency attached by ClinVar (database versions not stated): gnomAD exomes 0.00018; ESP Exome Variant Server 0.00023; ExAC 0.00025; TOPMed 0.00032; gnomAD 0.00039.
gnomAD v4.1: 325 of 1,613,728 alleles (0.02%); highest among the groups gnomAD compares: Middle Eastern, 0.083%; no homozygotes.

Submission:

GeneDx
Classification: Uncertain significance. Last evaluated: 2022-04-01. Review status: criteria provided, single submitter. Criteria: GeneDx Variant Classification Process June 2021. Collection method: clinical testing. Allele origin: germline. Affected: yes.
Comment: In silico analysis supports that this missense variant does not alter protein structure/function; Has not been previously published as pathogenic or benign to our knowledge